The following is an entry in ClinVar:

ClinVar aggregate classification (germline): Uncertain significance (1 of 4 stars; one submission).

Conditions:
Cardiovascular phenotype. Identifiers: MedGen CN230736.
Hereditary cancer-predisposing syndrome. Also called: Hereditary Cancer Syndrome; Hereditary neoplastic syndrome; Neoplastic Syndromes, Hereditary; Tumor predisposition. Identifiers: Orphanet 140162, MedGen C0027672, MeSH D009386, MONDO:0015356.

Submission:

Ambry Genetics
Classification: Uncertain significance for Cardiovascular phenotype; Hereditary cancer-predisposing syndrome. Last evaluated: 2026-08-18. Review status: criteria provided, single submitter. Criteria: Ambry Variant Classification Scheme 2023. Collection method: clinical testing. Allele origin: germline.
Comment: The p.I1428S variant (also known as c.4283T>G), located in coding exon 32 of the NF1 gene, results from a T to G substitution at nucleotide position 4283. The isoleucine at codon 1428 is replaced by serine, an amino acid with dissimilar properties. This amino acid position is highly conserved in available vertebrate species. In addition, this alteration is predicted to be deleterious by in silico analysis. Based on the available evidence, the clinical significance of this variant remains unclear.

NM_001042492.3(NF1):c.4346T>G (p.Ile1449Ser)

Gene: NF1 (neurofibromin 1; plus strand). Cytogenetic location: 17q11.2.
Variant type: single nucleotide variant.
Coding change: c.4346T>G on transcript NM_001042492.3 (MANE Select); coding-DNA position 4346, T replaced by G.
Protein change: p.Ile1449Ser; replaces isoleucine 1449 with serine.
Molecular consequence: missense variant.
Genome position (GRCh38, 1-based): chr17:31,259,045, T>G. VCF-style: chr17-31259045-T-G. GRCh37 (hg19) VCF-style: chr17-29586063-T-G.
Other names: c.4283T>G, p.Ile1428Ser (NM_000267.4); short protein forms I1449S, I1428S.
Identifiers: ClinVar variation 1739365 (VCV001739365.3), dbSNP rs1410459904, ClinGen allele CA398998724.